The following is an entry in ClinVar:

NM_005751.5(AKAP9):c.6360A>T (p.Glu2120Asp)

Gene: AKAP9 (A-kinase anchoring protein 9; plus strand). Cytogenetic location: 7q21.2.
Variant type: single nucleotide variant.
Coding change: c.6360A>T on transcript NM_005751.5 (MANE Select); coding-DNA position 6360, A replaced by T.
Protein change: p.Glu2120Asp; replaces glutamic acid 2120 with aspartic acid.
Molecular consequence: missense variant.
Genome position (GRCh38, 1-based): chr7:92,070,059, A>T. VCF-style: chr7-92070059-A-T. GRCh37 (hg19) VCF-style: chr7-91699373-A-T.
Other names: c.1005A>T, p.Glu335Asp (NM_001379277.1); c.6360A>T, p.Glu2120Asp (NM_147185.3); short protein forms E335D, E2120D.
Identifiers: ClinVar variation 2626307 (VCV002626307.2), dbSNP rs1281472029, ClinGen allele CA368134023.
Genomic context (GRCh38, chr7:92,070,059, plus strand): 5'-TAAATTAAATTTTTTGCCTCTTATATTTCAGGTTGAACAGTTAGCAAATCATCTGAAAGA[A>T]AAAACAGACAAATGCAGTGAGCTTTTGCTCTCTAAAGAGCAGCTTCAAAGGGATATACAA-3'
Protein context (NP_005742.4, residues 2110-2130): EVEQLANHLK[Glu2120Asp]KTDKCSELLL

ClinVar aggregate classification (germline): Uncertain significance (1 of 4 stars; one submission).

Conditions:
Cardiovascular phenotype. Identifiers: MedGen CN230736.

Allele frequency attached by ClinVar (database versions not stated): TOPMed below 0.00001.

Submission:

Ambry Genetics
Classification: Uncertain significance for Cardiovascular phenotype. Last evaluated: 2023-09-07. Review status: criteria provided, single submitter. Criteria: Ambry Variant Classification Scheme 2023. Collection method: clinical testing. Allele origin: germline.
Comment: The p.E2120D variant (also known as c.6360A>T), located in coding exon 27 of the AKAP9 gene, results from an A to T substitution at nucleotide position 6360. The glutamic acid at codon 2120 is replaced by aspartic acid, an amino acid with highly similar properties. This amino acid position is conserved. In addition, this alteration is predicted to be tolerated by in silico analysis. Since supporting evidence is limited at this time, the clinical significance of this alteration remains unclear.